The following is an entry in ClinVar:

NM_000260.4(MYO7A):c.1605C>T (p.Asn535=)

Gene: MYO7A (myosin VIIA; plus strand). Cytogenetic location: 11q13.5.
Variant type: single nucleotide variant.
Coding change: c.1605C>T on transcript NM_000260.4 (MANE Select); coding-DNA position 1605, C replaced by T.
Protein change: p.Asn535=; no amino-acid change (asparagine 535 retained).
Molecular consequence: synonymous variant.
Genome position (GRCh38, 1-based): chr11:77,162,903, C>T. VCF-style: chr11-77162903-C-T. GRCh37 (hg19) VCF-style: chr11-76873949-C-T.
Other names: p.N535N:AAC>AAT; c.1605C>T, p.Asn535= (NM_001127180.2); c.1572C>T, p.Asn524= (NM_001369365.1).
Identifiers: ClinVar variation 43153 (VCV000043153.57), dbSNP rs111033228, ClinGen allele CA132213.

ClinVar aggregate classification (germline): Conflicting classifications of pathogenicity. Review status: criteria provided, conflicting classifications (1 of 4 stars). 11 submissions from 9 submitters: Uncertain significance (2); Benign (5); Likely benign (1). 3 of the submissions do not count toward it. Last evaluated 2026-09-01.

Conditions:
Usher syndrome type 1 (USH1). Also called: RETINITIS PIGMENTOSA AND CONGENITAL DEAFNESS. Identifiers: Orphanet 231169, Orphanet 886, MedGen C1568247, MONDO:0010168, OMIM 276900.
Autosomal recessive nonsyndromic hearing loss 2. Also called: DEAFNESS, AUTOSOMAL RECESSIVE 2; NEUROSENSORY NONSYNDROMIC RECESSIVE DEAFNESS 2. Identifiers: Orphanet 90636, MedGen C1838701, MONDO:0010807, OMIM 600060.
Usher syndrome type 1B (USH1B). Also called: Usher syndrome type IB. Identifiers: MedGen C1848638, MONDO:0700087.
Autosomal dominant nonsyndromic hearing loss 11. Identifiers: Orphanet 90635, MedGen C1832475, MONDO:0011032, OMIM 601317.

Allele frequency attached by ClinVar (database versions not stated): 1000 Genomes Project 0.00060; gnomAD 0.00336 and 0.00325; 1000 Genomes Project 30x 0.00047; ESP Exome Variant Server 0.00251; TOPMed 0.00293; ExAC 0.00317; gnomAD exomes 0.00311.
gnomAD v4.1: 7,703 of 1,613,776 alleles (0.48%); highest among the groups gnomAD compares: Non-Finnish European, 0.61%; 22 homozygotes.

Submissions (11):

CeGaT Center for Human Genetics Tuebingen
Classification: Likely benign. Last evaluated: 2026-09-01. Review status: criteria provided, single submitter. Criteria: CeGaT Center For Human Genetics Tuebingen Variant Classification Criteria Version 2. Collection method: clinical testing. Allele origin: germline. Affected: yes. Observed: 7 variant alleles.
Comment: MYO7A: BP4, BP7, BS2

Labcorp Genetics (formerly Invitae), Labcorp
Classification: Benign. Last evaluated: 2026-02-02. Review status: criteria provided, single submitter. Criteria: Invitae Variant Classification Sherloc (09022015). Collection method: clinical testing. Allele origin: germline.

Illumina Laboratory Services, Illumina
Classification: Benign for Autosomal dominant nonsyndromic hearing loss 11. Last evaluated: 2018-01-12. Review status: criteria provided, single submitter. Criteria: ICSL Variant Classification Criteria 13 December 2019. Collection method: clinical testing. Allele origin: germline.
Comment: This variant was observed in the ICSL laboratory as part of a predisposition screen in an ostensibly healthy population. It had not been previously curated by ICSL or reported in the Human Gene Mutation Database (HGMD: prior to June 1st, 2018), and was therefore a candidate for classification through an automated scoring system. Utilizing variant allele frequency, disease prevalence and penetrance estimates, and inheritance mode, an automated score was calculated to assess if this variant is too frequent to cause the disease. Based on the score and internal cut-off values, a variant classified as benign is not then subjected to further curation. The score for this variant resulted in a classification of benign for this disease.

Illumina Laboratory Services, Illumina
Classification: Uncertain significance for Autosomal recessive nonsyndromic hearing loss 2. Last evaluated: 2018-01-12. Review status: criteria provided, single submitter. Criteria: ICSL Variant Classification Criteria 13 December 2019. Collection method: clinical testing. Allele origin: germline.

Illumina Laboratory Services, Illumina
Classification: Uncertain significance for Usher syndrome type 1. Last evaluated: 2018-01-12. Review status: criteria provided, single submitter. Criteria: ICSL Variant Classification Criteria 13 December 2019. Collection method: clinical testing. Allele origin: germline.

Eurofins Ntd Llc (ga)
Classification: Benign. Last evaluated: 2015-10-08. Review status: criteria provided, single submitter. Criteria: EGL Classification Definitions 2015. Collection method: clinical testing. Allele origin: germline. Observed: 1 variant allele, 1 heterozygote.

GeneDx
Classification: Benign. Last evaluated: 2014-03-11. Review status: criteria provided, single submitter. Criteria: GeneDx Variant Classification (06012015). Collection method: clinical testing. Allele origin: germline. Affected: yes.
Comment: This variant is considered likely benign or benign based on one or more of the following criteria: it is a conservative change, it occurs at a poorly conserved position in the protein, it is predicted to be benign by multiple in silico algorithms, and/or has population frequency not consistent with disease.

Laboratory for Molecular Medicine, Mass General Brigham Personalized Medicine
Classification: Benign. Last evaluated: 2012-04-10. Review status: criteria provided, single submitter. Criteria: LMM Criteria. Collection method: clinical testing. Allele origin: germline. Observed: 25 variant alleles.
Comment: Asn535Asn in exon 14 of the MYO7A gene: This variant is not expected to have cli nical significance because it does not alter an amino acid residue, is not locat ed within the splice consensus sequence, has been identified in 0.3% (21/6912) o f European American chromosomes and 0.1% (4/3606) of African American chromosome s in a broad population by the NHLBI Exome sequencing project (dbSNP rs111033228). In addition, this variant was reported as benign in the literature (Weston 1996) presumably because it does not alter an a mino acid residue and is not located near a splice junction.

Natera, Inc.
Classification: Benign for Usher syndrome type 1B. Last evaluated: 2020-09-16. Review status: no assertion criteria provided. Collection method: clinical testing. Allele origin: germline. Not counted in ClinVar's aggregate classification.

Clinical Genetics DNA and cytogenetics Diagnostics Lab, Erasmus MC, Erasmus Medical Center
Classification: Likely benign. Review status: no assertion criteria provided. Collection method: clinical testing. Allele origin: germline. Affected: yes. Study: VKGL Data-share Consensus. Not counted in ClinVar's aggregate classification.

Joint Genome Diagnostic Labs from Nijmegen and Maastricht, Radboudumc and MUMC+
Classification: Likely benign. Review status: no assertion criteria provided. Collection method: clinical testing. Allele origin: germline. Affected: yes. Study: VKGL Data-share Consensus. Not counted in ClinVar's aggregate classification.

Literature cited by the submitters: PubMed 8900236 (cited by Laboratory for Molecular Medicine, Mass General Brigham Personalized Medicine).